The following is an entry in ClinVar:

NM_000256.3(MYBPC3):c.2692G>A (p.Ala898Thr)

Gene: MYBPC3 (myosin binding protein C3; minus strand). Cytogenetic location: 11p11.2.
Variant type: single nucleotide variant.
Coding change: c.2692G>A on transcript NM_000256.3 (MANE Select); coding-DNA position 2692, G replaced by A.
Protein change: p.Ala898Thr; replaces alanine 898 with threonine.
Molecular consequence: missense variant.
Genome position (GRCh38, 1-based): chr11:47,335,922, C>T on the plus strand (G>A on the coding strand, the complement: MYBPC3 is on the minus strand). VCF-style: chr11-47335922-C-T. GRCh37 (hg19) VCF-style: chr11-47357473-C-T.
Other names: short protein forms A898T.
Identifiers: ClinVar variation 3876146 (VCV003876146.1).
Genomic context (GRCh38, chr11:47,335,922, plus strand): 5'-GGCGGGGACACTCACAGCCCTCTGGGCAGTACTCCACGCTGTAGCCATCCAGGCCTCCTG[C>T]TCCCACGCGCTCTGGGGGCCGCCACTTGAGGGAGACCGTGGTGTCAGAGACGTCCTCTAC-3'
Protein context (NP_000247.2, residues 888-908): LKWRPPERVG[Ala898Thr]GGLDGYSVEY

ClinVar aggregate classification (germline): Uncertain significance (1 of 4 stars; one submission).

Conditions:
Cardiovascular phenotype. Identifiers: MedGen CN230736.

gnomAD v4.1: 3 of 1,549,090 alleles (0.00019%); highest among the groups gnomAD compares: South Asian, 0.0012%; no homozygotes.

Submission:

Ambry Genetics
Classification: Uncertain significance for Cardiovascular phenotype. Last evaluated: 2025-03-14. Review status: criteria provided, single submitter. Criteria: Ambry Variant Classification Scheme 2023. Collection method: clinical testing. Allele origin: germline.
Comment: The p.A898T variant (also known as c.2692G>A), located in coding exon 26 of the MYBPC3 gene, results from a G to A substitution at nucleotide position 2692. The alanine at codon 898 is replaced by threonine, an amino acid with similar properties. This amino acid position is conserved. In addition, this alteration is predicted to be tolerated by in silico analysis. Based on the available evidence, the clinical significance of this variant remains unclear.